The following is an entry in ClinVar:

ClinVar aggregate classification (germline): Uncertain significance (1 of 4 stars; one submission).

Submission:

Labcorp Genetics (formerly Invitae), Labcorp
Classification: Uncertain significance. Last evaluated: 2025-02-04. Review status: criteria provided, single submitter. Criteria: Invitae Variant Classification Sherloc (09022015). Collection method: clinical testing. Allele origin: germline.
Comment: This sequence change replaces alanine, which is neutral and non-polar, with threonine, which is neutral and polar, at codon 14 of the GPAA1 protein (p.Ala14Thr). This variant is not present in population databases (gnomAD no frequency). This variant has not been reported in the literature in individuals affected with GPAA1-related conditions. Invitae Evidence Modeling of protein sequence and biophysical properties (such as structural, functional, and spatial information, amino acid conservation, physicochemical variation, residue mobility, and thermodynamic stability) indicates that this missense variant is not expected to disrupt GPAA1 protein function with a negative predictive value of 80%. In summary, the available evidence is currently insufficient to determine the role of this variant in disease. Therefore, it has been classified as a Variant of Uncertain Significance.

NM_003801.4(GPAA1):c.40G>A (p.Ala14Thr)

Genes: GPAA1 (glycosylphosphatidylinositol anchor attachment 1; plus strand), LOC130001364 (ATAC-STARR-seq lymphoblastoid silent region 19654; plus strand). Cytogenetic location: 8q24.3.
Variant type: single nucleotide variant.
Coding change: c.40G>A on transcript NM_003801.4 (MANE Select); coding-DNA position 40, G replaced by A.
Protein change: p.Ala14Thr; replaces alanine 14 with threonine.
Molecular consequence: missense variant.
Genome position (GRCh38, 1-based): chr8:144,082,770, G>A. VCF-style: chr8-144082770-G-A. GRCh37 (hg19) VCF-style: chr8-145137673-G-A.
Other names: short protein forms A14T.
Identifiers: ClinVar variation 4745373 (VCV004745373.1).